The following is an entry in ClinVar:

ClinVar aggregate classification (germline): Pathogenic. Review status: criteria provided, single submitter (1 of 4 stars). 2 submissions from 2 submitters: Pathogenic (1). 1 of the submissions does not count toward it. Last evaluated 2026-02-02.

Conditions:
Mucopolysaccharidosis, MPS-III-B (MPS3B). Also called: SANFILIPPO SYNDROME B; MPS III B; MUCOPOLYSACCHARIDOSIS, TYPE IIIB; Mucopolysaccharidosis type IIIB (Sanfilippo B); MPS IIIB (Sanfilippo Syndrome Type B); N-ACETYL-ALPHA-D-GLUCOSAMINIDASE DEFICIENCY. Identifiers: Orphanet 79270, MedGen C0086648, MONDO:0009656, OMIM 252920.
Charcot-Marie-Tooth disease axonal type 2V. Also called: CHARCOT-MARIE-TOOTH NEUROPATHY, TYPE 2V; CHARCOT-MARIE-TOOTH DISEASE, AXONAL, AUTOSOMAL DOMINANT, TYPE 2V. Identifiers: Orphanet 447964, MedGen C5569050, MONDO:0014665, OMIM 616491.

Allele frequency attached by ClinVar (database versions not stated): gnomAD exomes below 0.00001.

Submissions (2):

Labcorp Genetics (formerly Invitae), Labcorp
Classification: Pathogenic for Charcot-Marie-Tooth disease axonal type 2V; Mucopolysaccharidosis, MPS-III-B. Last evaluated: 2026-02-02. Review status: criteria provided, single submitter. Criteria: Invitae Variant Classification Sherloc (09022015). Collection method: clinical testing. Allele origin: germline.
Comment: This sequence change creates a premature translational stop signal (p.Thr476Profs*50) in the NAGLU gene. While this is not anticipated to result in nonsense mediated decay, it is expected to disrupt the last 268 amino acid(s) of the NAGLU protein. This variant is present in population databases (no rsID available, gnomAD 0.001%). This variant has not been reported in the literature in individuals affected with NAGLU-related conditions. ClinVar contains an entry for this variant (Variation ID: 550911). This variant disrupts a region of the NAGLU protein in which other variant(s) (p.Arg626) have been determined to be pathogenic (PMID: 8650226, 9832037, 10094189). This suggests that this is a clinically significant region of the protein, and that variants that disrupt it are likely to be disease-causing. For these reasons, this variant has been classified as Pathogenic.

Counsyl
Classification: Likely pathogenic for Mucopolysaccharidosis, MPS-III-B. Last evaluated: 2017-04-24. Review status: no assertion criteria provided. Collection method: clinical testing. Allele origin: unknown. Not counted in ClinVar's aggregate classification.

Literature cited by the submitters: PubMed 8650226 (cited by Labcorp Genetics (formerly Invitae), Labcorp); PubMed 9832037 (cited by Labcorp Genetics (formerly Invitae), Labcorp); PubMed 10094189 (cited by Labcorp Genetics (formerly Invitae), Labcorp).

NM_000263.4(NAGLU):c.1425del (p.Thr476fs)

Gene: NAGLU (N-acetyl-alpha-glucosaminidase; plus strand). Cytogenetic location: 17q21.2.
Variant type: Deletion.
Coding change: c.1425del on transcript NM_000263.4 (MANE Select); coding-DNA position 1425, one base deleted (G; older notation c.1425delG).
Protein change: p.Thr476fs; shifts the reading frame from threonine 476.
Molecular consequence: frameshift variant.
Genome position (GRCh38, 1-based): chr17:42,543,431, G deleted. VCF-style (leftmost placement, unchanged base first): chr17-42543430-TG-T. GRCh37 (hg19) VCF-style: chr17-40695448-TG-T.
Other names: short protein forms T476fs.
Identifiers: ClinVar variation 550911 (VCV000550911.10), dbSNP rs1250949842, ClinGen allele CA626218622.